The following is an entry in ClinVar:

ClinVar aggregate classification (germline): Uncertain significance (1 of 4 stars; one submission).

gnomAD v4.1: 2 of 1,567,344 alleles (0.00013%); no homozygotes.

Submission:

Labcorp Genetics (formerly Invitae), Labcorp
Classification: Uncertain significance. Last evaluated: 2023-06-30. Review status: criteria provided, single submitter. Criteria: Invitae Variant Classification Sherloc (09022015). Collection method: clinical testing. Allele origin: germline.
Comment: In summary, the available evidence is currently insufficient to determine the role of this variant in disease. Therefore, it has been classified as a Variant of Uncertain Significance. Variants that disrupt the consensus splice site are a relatively common cause of aberrant splicing (PMID: 17576681, 9536098). Algorithms developed to predict the effect of sequence changes on RNA splicing suggest that this variant is not likely to affect RNA splicing. This variant has not been reported in the literature in individuals affected with HSPG2-related conditions. This variant is not present in population databases (gnomAD no frequency). This sequence change falls in intron 85 of the HSPG2 gene. It does not directly change the encoded amino acid sequence of the HSPG2 protein. It affects a nucleotide within the consensus splice site.

Literature cited by the submitters: PubMed 17576681; PubMed 9536098.

NM_005529.7(HSPG2):c.11671+5G>C

Gene: HSPG2 (heparan sulfate proteoglycan 2; minus strand). Cytogenetic location: 1p36.12.
Variant type: single nucleotide variant.
Coding change: c.11671+5G>C on transcript NM_005529.7 (MANE Select); 5 bases into the intron after coding-DNA position 11671, G replaced by C.
Molecular consequence: intron variant.
Genome position (GRCh38, 1-based): chr1:21,830,977, C>G on the plus strand (G>C on the coding strand, the complement: HSPG2 is on the minus strand). VCF-style: chr1-21830977-C-G. GRCh37 (hg19) VCF-style: chr1-22157470-C-G.
Other names: c.11674+5G>C (NM_001291860.2).
Identifiers: ClinVar variation 2972933 (VCV002972933.3), dbSNP rs77527456, ClinGen allele CA1158129603.